The following is an entry in ClinVar:

ClinVar aggregate classification (germline): Uncertain significance (1 of 4 stars; one submission).

Conditions:
Cardiovascular phenotype. Identifiers: MedGen CN230736.

Submission:

Ambry Genetics
Classification: Uncertain significance for Cardiovascular phenotype. Last evaluated: 2023-12-11. Review status: criteria provided, single submitter. Criteria: Ambry Variant Classification Scheme 2023. Collection method: clinical testing. Allele origin: germline.
Comment: The p.P9S variant (also known as c.25C>T), located in coding exon 1 of the KCNJ8 gene, results from a C to T substitution at nucleotide position 25. The proline at codon 9 is replaced by serine, an amino acid with similar properties. This amino acid position is conserved. In addition, the in silico prediction for this alteration is inconclusive. Since supporting evidence is limited at this time, the clinical significance of this alteration remains unclear.

NM_004982.4(KCNJ8):c.25C>T (p.Pro9Ser)

Genes: KCNJ8 (potassium inwardly rectifying channel subfamily J member 8; minus strand), KCNJ8-AS1 (KCNJ8 antisense RNA 1; plus strand). Cytogenetic location: 12p12.1.
Variant type: single nucleotide variant.
Coding change: c.25C>T on transcript NM_004982.4 (MANE Select); coding-DNA position 25, C replaced by T.
Protein change: p.Pro9Ser; replaces proline 9 with serine.
Molecular consequence: missense variant.
Genome position (GRCh38, 1-based): chr12:21,773,592, G>A on the plus strand (C>T on the coding strand, the complement: KCNJ8 is on the minus strand). VCF-style: chr12-21773592-G-A. GRCh37 (hg19) VCF-style: chr12-21926526-G-A.
Other names: short protein forms P9S.
Identifiers: ClinVar variation 3224553 (VCV003224553.1), dbSNP rs1247168685, ClinGen allele CA384132884.
Genomic context (GRCh38, chr12:21,773,592, plus strand): 5'-CTCGGATGCGCGGCTTGCGCAGGTTCTCTGCGGCGATGCGCGCCAGCACATACTCCTCCG[G>A]GATGATACTCTTTCTGGCCAACATCGTCCTGTCACCATAGCCAGCTTAGCCACCTCCCTC-3'
Protein context (NP_004973.1, residues 1-19): MLARKSII[Pro9Ser]EEYVLARIAA